The following is an entry in ClinVar:

ClinVar aggregate classification (germline): Conflicting classifications of pathogenicity. Review status: criteria provided, conflicting classifications (1 of 4 stars). 5 submissions from 5 submitters: Uncertain significance (3); Benign (1); Likely benign (1). Last evaluated 2025-09-22.

Conditions:
Hereditary cancer-predisposing syndrome. Also called: Tumor predisposition; Neoplastic Syndromes, Hereditary; Hereditary Cancer Syndrome; Hereditary neoplastic syndrome. Identifiers: Orphanet 140162, MedGen C0027672, MeSH D009386, MONDO:0015356.
Tuberous sclerosis syndrome (TSC). Also called: Tuberous Sclerosis Complex; Tuberous sclerosis. Identifiers: Orphanet 805, MedGen C0041341, MONDO:0001734.
Tuberous sclerosis 2 (TSC2). Identifiers: Orphanet 805, MedGen C1860707, MONDO:0013199, OMIM 613254.

Allele frequency attached by ClinVar (database versions not stated): gnomAD exomes below 0.00001.

Submissions (5):

Labcorp Genetics (formerly Invitae), Labcorp
Classification: Benign for Tuberous sclerosis 2. Last evaluated: 2025-09-22. Review status: criteria provided, single submitter. Criteria: Invitae Variant Classification Sherloc (09022015). Collection method: clinical testing. Allele origin: germline.

Ambry Genetics
Classification: Likely benign for Hereditary cancer-predisposing syndrome. Last evaluated: 2025-03-12. Review status: criteria provided, single submitter. Criteria: Ambry Variant Classification Scheme 2023. Collection method: clinical testing. Allele origin: germline.

GeneDx
Classification: Uncertain significance. Last evaluated: 2024-02-27. Review status: criteria provided, single submitter. Criteria: GeneDx Variant Classification Process June 2021. Collection method: clinical testing. Allele origin: germline. Affected: yes.
Comment: Not observed at significant frequency in large population cohorts (gnomAD); In silico analysis supports that this missense variant does not alter protein structure/function; Has not been previously published as pathogenic or benign to our knowledge

All of Us Research Program, National Institutes of Health
Classification: Uncertain significance for Tuberous sclerosis syndrome. Last evaluated: 2023-12-13. Review status: criteria provided, single submitter. Criteria: ACMG Guidelines, 2015. Collection method: clinical testing. Allele origin: germline. Inheritance: Autosomal dominant inheritance. Observed: 1 variant allele, 1 heterozygote.
Comment: This missense variant replaces serine with proline at codon 1090 of the TSC2 protein. Computational prediction suggests that this variant may not impact protein structure and function (internally defined REVEL score threshold <= 0.5, PMID: 27666373). To our knowledge, functional studies have not been reported for this variant. This variant has not been reported in individuals affected with tuberous sclerosis complex in the literature. This variant has not been identified in the general population by the Genome Aggregation Database (gnomAD). The available evidence is insufficient to determine the role of this variant in disease conclusively. Therefore, this variant is classified as a Variant of Uncertain Significance.

This study involves interpretation of variants in research participants for the purpose of population health screening. Participant phenotype was not available at the time of variant classification. Additional details can be found in publication PMID: 35346344, PMCID: PMC8962531

Genome-Nilou Lab
Classification: Uncertain significance for Tuberous sclerosis 2. Last evaluated: 2021-11-07. Review status: criteria provided, single submitter. Criteria: ACMG Guidelines, 2015. Collection method: clinical testing. Allele origin: germline. Affected: no.

NM_000548.5(TSC2):c.3268T>C (p.Ser1090Pro)

Gene: TSC2 (TSC complex subunit 2; plus strand). Cytogenetic location: 16p13.3.
Variant type: single nucleotide variant.
Coding change: c.3268T>C on transcript NM_000548.5 (MANE Select); coding-DNA position 3268, T replaced by C.
Protein change: p.Ser1090Pro; replaces serine 1090 with proline.
Molecular consequence: missense variant.
Genome position (GRCh38, 1-based): chr16:2,079,412, T>C. VCF-style: chr16-2079412-T-C. GRCh37 (hg19) VCF-style: chr16-2129413-T-C.
Other names: c.3136T>C, p.Ser1046Pro (NM_001077183.3, NM_001370404.1); c.3268T>C, p.Ser1090Pro (NM_001114382.3); c.3028T>C, p.Ser1010Pro (NM_001318827.2); c.2992T>C, p.Ser998Pro (NM_001318829.2); c.2536T>C, p.Ser846Pro (NM_001318831.2); c.3169T>C, p.Ser1057Pro (NM_001318832.2); c.3139T>C, p.Ser1047Pro (NM_001363528.2, NM_001370405.1, NM_021055.3); short protein forms S1090P, S1046P, S998P, S1010P, S1047P, S1057P, S846P.
Identifiers: ClinVar variation 406015 (VCV000406015.21), dbSNP rs1060500936, ClinGen allele CA16615094.
Genomic context (GRCh38, chr16:2,079,412, plus strand): 5'-ACGACAAGCGTGGGAACCGGGACCCGGTCGTTACTAGGCCTGGACTCGGGGGAGCTGCAG[T>C]CCGGCCCGGAGTCGAGGTGACTGCACCTTCCTTTCCTCCGCGCCTGCCAGCCTCGACACC-3'
Protein context (NP_000539.2, residues 1080-1100): LLGLDSGELQ[Ser1090Pro]GPESSSSPGV